The following is an entry in ClinVar:

NM_000222.3(KIT):c.792C>A (p.His264Gln)

Gene: KIT (KIT proto-oncogene, receptor tyrosine kinase; plus strand). Cytogenetic location: 4q12.
Variant type: single nucleotide variant.
Coding change: c.792C>A on transcript NM_000222.3 (MANE Select); coding-DNA position 792, C replaced by A.
Protein change: p.His264Gln; replaces histidine 264 with glutamine.
Molecular consequence: missense variant.
Genome position (GRCh38, 1-based): chr4:54,703,759, C>A. VCF-style: chr4-54703759-C-A. GRCh37 (hg19) VCF-style: chr4-55569925-C-A.
Other names: c.792C>A, p.His264Gln (NM_001093772.2, NM_001385285.1, NM_001385286.1); c.795C>A, p.His265Gln (NM_001385284.1, NM_001385288.1, NM_001385290.1 and 1 more transcripts); short protein forms H264Q, H265Q.
Identifiers: ClinVar variation 969043 (VCV000969043.19), dbSNP rs753102574, ClinGen allele CA356899411.
Genomic context (GRCh38, chr4:54,703,759, plus strand): 5'-TTTTCTCCTTTTCTGAAACCAGCAGACTAAACTACAGGAGAAATATAATAGCTGGCATCA[C>A]GGTGACTTCAATTATGAACGTCAGGCAACGTTGACTATCAGTTCAGCGAGAGTTAATGAT-3'
Protein context (NP_000213.1, residues 254-274): KLQEKYNSWH[His264Gln]GDFNYERQAT

ClinVar aggregate classification (germline): Conflicting classifications of pathogenicity. Review status: criteria provided, conflicting classifications (1 of 4 stars). 2 submissions from 2 submitters: Uncertain significance (1); Likely benign (1). Last evaluated 2022-01-15.

Conditions:
Gastrointestinal stromal tumor. Also called: Gastrointestinal stromal tumor, somatic; Gastrointestinal stroma tumor. Identifiers: Orphanet 44890, MedGen C0238198, MeSH D046152, MONDO:0011719, OMIM 606764, HP:0100723.
Hereditary cancer-predisposing syndrome. Also called: Neoplastic Syndromes, Hereditary; Hereditary Cancer Syndrome; Hereditary neoplastic syndrome; Tumor predisposition. Identifiers: Orphanet 140162, MedGen C0027672, MeSH D009386, MONDO:0015356.

gnomAD v4.1: 3 of 1,613,602 alleles (0.00019%); no homozygotes.

Submissions (2):

Ambry Genetics
Classification: Likely benign for Hereditary cancer-predisposing syndrome. Last evaluated: 2022-01-15. Review status: criteria provided, single submitter. Criteria: Ambry Variant Classification Scheme 2023. Collection method: clinical testing. Allele origin: germline.

Labcorp Genetics (formerly Invitae), Labcorp
Classification: Uncertain significance for Gastrointestinal stromal tumor. Last evaluated: 2021-05-19. Review status: criteria provided, single submitter. Criteria: Invitae Variant Classification Sherloc (09022015). Collection method: clinical testing. Allele origin: germline.
Comment: In summary, the available evidence is currently insufficient to determine the role of this variant in disease. Therefore, it has been classified as a Variant of Uncertain Significance. Algorithms developed to predict the effect of missense changes on protein structure and function output the following: SIFT: "Tolerated"; PolyPhen-2: "Benign"; Align-GVGD: "Class C0". The glutamine amino acid residue is found in multiple mammalian species, suggesting that this missense change does not adversely affect protein function. These predictions have not been confirmed by published functional studies and their clinical significance is uncertain. This variant has not been reported in the literature in individuals with KIT-related conditions. This variant is not present in population databases (ExAC no frequency). This sequence change replaces histidine with glutamine at codon 264 of the KIT protein (p.His264Gln). The histidine residue is weakly conserved and there is a small physicochemical difference between histidine and glutamine.